The following is an entry in ClinVar:

ClinVar aggregate classification (germline): Uncertain significance (1 of 4 stars; one submission).

Allele frequency attached by ClinVar (database versions not stated): gnomAD exomes 0.00005; ExAC 0.00006; gnomAD 0.00007 and 0.00008; TOPMed 0.00008; ESP Exome Variant Server 0.00016.

Submission:

Labcorp Genetics (formerly Invitae), Labcorp
Classification: Uncertain significance. Last evaluated: 2022-06-02. Review status: criteria provided, single submitter. Criteria: Invitae Variant Classification Sherloc (09022015). Collection method: clinical testing. Allele origin: germline.
Comment: This sequence change replaces valine, which is neutral and non-polar, with isoleucine, which is neutral and non-polar, at codon 315 of the WDR1 protein (p.Val315Ile). This variant is present in population databases (rs376548034, gnomAD 0.01%). This variant has not been reported in the literature in individuals affected with WDR1-related conditions. ClinVar contains an entry for this variant (Variation ID: 1436206). Algorithms developed to predict the effect of missense changes on protein structure and function output the following: SIFT: "Tolerated"; PolyPhen-2: "Benign"; Align-GVGD: "Class C0". The isoleucine amino acid residue is found in multiple mammalian species, which suggests that this missense change does not adversely affect protein function. In summary, the available evidence is currently insufficient to determine the role of this variant in disease. Therefore, it has been classified as a Variant of Uncertain Significance.

NM_017491.5(WDR1):c.943G>A (p.Val315Ile)

Gene: WDR1 (WD repeat domain 1; minus strand). Cytogenetic location: 4p16.1.
Variant type: single nucleotide variant.
Coding change: c.943G>A on transcript NM_017491.5 (MANE Select); coding-DNA position 943, G replaced by A.
Protein change: p.Val315Ile; replaces valine 315 with isoleucine.
Molecular consequence: missense variant.
Genome position (GRCh38, 1-based): chr4:10,087,715, C>T on the plus strand (G>A on the coding strand, the complement: WDR1 is on the minus strand). VCF-style: chr4-10087715-C-T. GRCh37 (hg19) VCF-style: chr4-10089339-C-T.
Other names: c.523G>A, p.Val175Ile (NM_005112.5); short protein forms V315I, V175I.
Identifiers: ClinVar variation 1436206 (VCV001436206.3), dbSNP rs376548034, ClinGen allele CA2857861.